The following is an entry in ClinVar:

NM_000051.4(ATM):c.7562A>T (p.Tyr2521Phe)

Genes: ATM (ATM serine/threonine kinase; plus strand), C11orf65 (chromosome 11 open reading frame 65; minus strand). Cytogenetic location: 11q22.3.
Variant type: single nucleotide variant.
Coding change: c.7562A>T on transcript NM_000051.4 (MANE Select); coding-DNA position 7562, A replaced by T.
Protein change: p.Tyr2521Phe; replaces tyrosine 2521 with phenylalanine.
Molecular consequence: missense variant. On other transcripts: non-coding transcript variant (1), intron variant (2).
Genome position (GRCh38, 1-based): chr11:108,331,490, A>T. VCF-style: chr11-108331490-A-T. GRCh37 (hg19) VCF-style: chr11-108202217-A-T.
Other names: c.7562A>T, p.Tyr2521Phe (NM_001351834.2); c.641-22419T>A (NM_001330368.2); c.*38+3730T>A (NM_001351110.2); short protein forms Y2521F.
Identifiers: ClinVar variation 2061408 (VCV002061408.4), dbSNP rs876660422, ClinGen allele CA382560733.

ClinVar aggregate classification (germline): Uncertain significance (1 of 4 stars; one submission).

Conditions:
Ataxia-telangiectasia syndrome (AT). Also called: Ataxia-telangiectasia, complementation group D; AT, COMPLEMENTATION GROUP C; ATAXIA-TELANGIECTASIA, COMPLEMENTATION GROUP A; ATAXIA-TELANGIECTASIA, FRESNO VARIANT; Ataxia-telangiectasia, complementation group E; LOUIS-BAR SYNDROME. Identifiers: Orphanet 100, MedGen C0004135, MONDO:0008840, OMIM 208900.

Submission:

Labcorp Genetics (formerly Invitae), Labcorp
Classification: Uncertain significance for Ataxia-telangiectasia syndrome. Last evaluated: 2022-11-22. Review status: criteria provided, single submitter. Criteria: Invitae Variant Classification Sherloc (09022015). Collection method: clinical testing. Allele origin: germline.
Comment: This variant is not present in population databases (gnomAD no frequency). This sequence change replaces tyrosine, which is neutral and polar, with phenylalanine, which is neutral and non-polar, at codon 2521 of the ATM protein (p.Tyr2521Phe). This variant has not been reported in the literature in individuals affected with ATM-related conditions. In summary, the available evidence is currently insufficient to determine the role of this variant in disease. Therefore, it has been classified as a Variant of Uncertain Significance. Algorithms developed to predict the effect of missense changes on protein structure and function are either unavailable or do not agree on the potential impact of this missense change (SIFT: "Deleterious"; PolyPhen-2: "Benign"; Align-GVGD: "Class C15").